The following is an entry in ClinVar:

NM_004260.4(RECQL4):c.1645A>C (p.Lys549Gln)

Gene: RECQL4 (RecQ like helicase 4; minus strand). Cytogenetic location: 8q24.3.
Variant type: single nucleotide variant.
Coding change: c.1645A>C on transcript NM_004260.4 (MANE Select); coding-DNA position 1645, A replaced by C.
Protein change: p.Lys549Gln; replaces lysine 549 with glutamine.
Molecular consequence: missense variant.
Genome position (GRCh38, 1-based): chr8:144,514,501, T>G on the plus strand (A>C on the coding strand, the complement: RECQL4 is on the minus strand). VCF-style: chr8-144514501-T-G. GRCh37 (hg19) VCF-style: chr8-145739885-T-G.
Other names: short protein forms K549Q.
Identifiers: ClinVar variation 528969 (VCV000528969.9), dbSNP rs542466006, ClinGen allele CA4948728.

ClinVar aggregate classification (germline): Conflicting classifications of pathogenicity. Review status: criteria provided, conflicting classifications (1 of 4 stars). 3 submissions from 3 submitters: Uncertain significance (2); Likely benign (1). Last evaluated 2025-11-17.

Conditions:
RECQL4-related disorder. Also called: RECQL4-related disorders; RECQL4-related condition.
Inborn genetic diseases. Identifiers: MedGen C0950123, MeSH D030342.
Baller-Gerold syndrome (BGS). Also called: CRANIOSYNOSTOSIS WITH RADIAL DEFECTS. Identifiers: Orphanet 1225, MedGen C0265308, MONDO:0009039, OMIM 218600.

Allele frequency attached by ClinVar (database versions not stated): ExAC 0.00003; gnomAD exomes 0.00005; gnomAD 0.00012; TOPMed 0.00015; 1000 Genomes Project 0.00020; 1000 Genomes Project 30x 0.00031.
gnomAD v4.1: 40 of 1,611,896 alleles (0.0025%); highest among the groups gnomAD compares: African/African-American, 0.048%; no homozygotes.

Submissions (3):

Labcorp Genetics (formerly Invitae), Labcorp
Classification: Uncertain significance for Baller-Gerold syndrome. Last evaluated: 2025-11-17. Review status: criteria provided, single submitter. Criteria: Invitae Variant Classification Sherloc (09022015). Collection method: clinical testing. Allele origin: germline.
Comment: This sequence change replaces lysine, which is basic and polar, with glutamine, which is neutral and polar, at codon 549 of the RECQL4 protein (p.Lys549Gln). This variant is present in population databases (rs542466006, gnomAD 0.07%). This variant has not been reported in the literature in individuals affected with RECQL4-related conditions. ClinVar contains an entry for this variant (Variation ID: 528969). Invitae Evidence Modeling of protein sequence and biophysical properties (such as structural, functional, and spatial information, amino acid conservation, physicochemical variation, residue mobility, and thermodynamic stability) has been performed for this missense variant. However, the output from this modeling did not meet the statistical confidence thresholds required to predict the impact of this variant on RECQL4 protein function. In summary, the available evidence is currently insufficient to determine the role of this variant in disease. Therefore, it has been classified as a Variant of Uncertain Significance.

Ambry Genetics
Classification: Likely benign for Inborn genetic diseases. Last evaluated: 2024-11-30. Review status: criteria provided, single submitter. Criteria: Ambry Variant Classification Scheme 2023. Collection method: clinical testing. Allele origin: germline.

PreventionGenetics, part of Exact Sciences
Classification: Uncertain significance for RECQL4-related condition. Last evaluated: 2022-08-27. Review status: criteria provided, single submitter. Criteria: ACMG Guidelines, 2015. Collection method: clinical testing. Allele origin: germline.
Comment: The RECQL4 c.1645A>C variant is predicted to result in the amino acid substitution p.Lys549Gln. To our knowledge, this variant has not been reported in the literature. This variant is reported in 0.063% of alleles in individuals of African descent in gnomAD. At this time, the clinical significance of this variant is uncertain due to the absence of conclusive functional and genetic evidence.